The following is an entry in ClinVar:

NM_001384474.1(LOXHD1):c.6425_6428del (p.Glu2142fs)

Gene: LOXHD1 (lipoxygenase homology PLAT domains 1; minus strand). Cytogenetic location: 18q21.1.
Variant type: Microsatellite.
Coding change: c.6425_6428del on transcript NM_001384474.1 (MANE Select); coding-DNA positions 6425 to 6428, 4 bases deleted (AGAG; older notation c.6425_6428delAGAG).
Protein change: p.Glu2142fs; shifts the reading frame from glutamic acid 2142.
Molecular consequence: frameshift variant.
Genome position (GRCh38, 1-based): chr18:46,477,866-46,477,869, CTCT deleted on the plus strand (AGAG on the coding strand, the reverse complement: LOXHD1 is on the minus strand); deleting any 4 consecutive bases within chr18:46,477,866-46,477,871 gives the same sequence; the c. name uses the placement nearest the transcript's 3' end. VCF-style (leftmost placement, unchanged base first): chr18-46477865-GCTCT-G. GRCh37 (hg19) VCF-style: chr18-44057828-GCTCT-G.
Other names: c.3092_3095del, p.Glu1031fs (NM_001145472.3); c.1142_1145del, p.Glu381fs (NM_001145473.3, NM_001173129.2); c.2804_2807del, p.Glu935fs (NM_001308013.2); c.6239_6242del, p.Glu2080fs (NM_144612.7); short protein forms E1031fs, E935fs, E2142fs, E381fs, E2080fs.
Identifiers: ClinVar variation 2082504 (VCV002082504.4), dbSNP rs1478469981, ClinGen allele CA629924206.

ClinVar aggregate classification (germline): Pathogenic (1 of 4 stars; one submission).

Submission:

Labcorp Genetics (formerly Invitae), Labcorp
Classification: Pathogenic. Last evaluated: 2022-07-16. Review status: criteria provided, single submitter. Criteria: Invitae Variant Classification Sherloc (09022015). Collection method: clinical testing. Allele origin: germline.
Comment: For these reasons, this variant has been classified as Pathogenic. This variant disrupts a region of the LOXHD1 protein in which other variant(s) (p.Gly2118Glu) have been determined to be pathogenic (PMID: 29676012). This suggests that this is a clinically significant region of the protein, and that variants that disrupt it are likely to be disease-causing. This variant has not been reported in the literature in individuals affected with LOXHD1-related conditions. This variant is present in population databases (no rsID available, gnomAD 0.002%). This sequence change creates a premature translational stop signal (p.Glu2080Alafs*18) in the LOXHD1 gene. While this is not anticipated to result in nonsense mediated decay, it is expected to disrupt the last 132 amino acid(s) of the LOXHD1 protein.

Literature cited by the submitters: PubMed 29676012.